The following is an entry in ClinVar:

ClinVar aggregate classification (germline): Uncertain significance. Review status: criteria provided, multiple submitters, no conflicts (2 of 4 stars). 2 submissions from 2 submitters: Uncertain significance (2). Last evaluated 2023-05-02.

Conditions:
Erythrocytosis, familial, 3 (ECYT3). Identifiers: Orphanet 247511, MedGen C1853286, MONDO:0012353, OMIM 609820.

Allele frequency attached by ClinVar (database versions not stated): gnomAD exomes 0.00001.
gnomAD v4.1: 3 of 1,312,528 alleles (0.00023%); highest among the groups gnomAD compares: South Asian, 0.0048%; no homozygotes.

Submissions (2):

Ambry Genetics
Classification: Uncertain significance. Last evaluated: 2023-05-02. Review status: criteria provided, single submitter. Criteria: Ambry Variant Classification Scheme 2023. Collection method: clinical testing. Allele origin: germline.
Comment: The p.G105R variant (also known as c.313G>A), located in coding exon 1 of the EGLN1 gene, results from a G to A substitution at nucleotide position 313. The glycine at codon 105 is replaced by arginine, an amino acid with dissimilar properties. This amino acid position is conserved. In addition, this alteration is predicted to be tolerated by in silico analysis. Since supporting evidence is limited at this time, the clinical significance of this alteration remains unclear.

Labcorp Genetics (formerly Invitae), Labcorp
Classification: Uncertain significance for Erythrocytosis, familial, 3. Last evaluated: 2022-10-19. Review status: criteria provided, single submitter. Criteria: Invitae Variant Classification Sherloc (09022015). Collection method: clinical testing. Allele origin: germline.
Comment: In summary, the available evidence is currently insufficient to determine the role of this variant in disease. Therefore, it has been classified as a Variant of Uncertain Significance. Algorithms developed to predict the effect of missense changes on protein structure and function are either unavailable or do not agree on the potential impact of this missense change (SIFT: "Tolerated"; PolyPhen-2: "Probably Damaging"; Align-GVGD: "Class C0"). This variant has not been reported in the literature in individuals affected with EGLN1-related conditions. This variant is not present in population databases (gnomAD no frequency). This sequence change replaces glycine, which is neutral and non-polar, with arginine, which is basic and polar, at codon 105 of the EGLN1 protein (p.Gly105Arg).

NM_022051.3(EGLN1):c.313G>A (p.Gly105Arg)

Gene: EGLN1 (egl-9 family hypoxia inducible factor 1; minus strand). Cytogenetic location: 1q42.2.
Variant type: single nucleotide variant.
Coding change: c.313G>A on transcript NM_022051.3 (MANE Select); coding-DNA position 313, G replaced by A.
Protein change: p.Gly105Arg; replaces glycine 105 with arginine.
Molecular consequence: missense variant.
Genome position (GRCh38, 1-based): chr1:231,421,576, C>T on the plus strand (G>A on the coding strand, the complement: EGLN1 is on the minus strand). VCF-style: chr1-231421576-C-T. GRCh37 (hg19) VCF-style: chr1-231557322-C-T.
Other names: c.313G>A, p.Gly105Arg (NM_001377260.1, NM_001377261.1); c.313G>A (NM_022051.2); short protein forms G105R.
Identifiers: ClinVar variation 2413879 (VCV002413879.9), dbSNP rs2527360781, ClinGen allele CA345237770.